The following is an entry in ClinVar:

NM_004380.3(CREBBP):c.6766C>G (p.Leu2256Val)

Gene: CREBBP (CREB binding lysine acetyltransferase; minus strand). Cytogenetic location: 16p13.3.
Variant type: single nucleotide variant.
Coding change: c.6766C>G on transcript NM_004380.3 (MANE Select); coding-DNA position 6766, C replaced by G.
Protein change: p.Leu2256Val; replaces leucine 2256 with valine.
Molecular consequence: missense variant.
Genome position (GRCh38, 1-based): chr16:3,728,281, G>C on the plus strand (C>G on the coding strand, the complement: CREBBP is on the minus strand). VCF-style: chr16-3728281-G-C. GRCh37 (hg19) VCF-style: chr16-3778282-G-C.
Other names: c.6652C>G, p.Leu2218Val (NM_001079846.1); c.6766C>G (NM_004380.2); short protein forms L2256V, L2218V.
Identifiers: ClinVar variation 4743598 (VCV004743598.2).
Genomic context (GRCh38, chr16:3,728,281, plus strand): 5'-GCCCCATCTGGCCAAGCTGTCCCATCTGAGCCGCCATCTGGCCCATGGAGCTGCCCTGGA[G>C]GGGGAGATGCTGCTGCATGCGCTGCTGCTGCTGCATGGCCGGTGGGTAGCCTCCGGGTCC-3'
Protein context (NP_004371.2, residues 2246-2266): QQQRMQQHLP[Leu2256Val]QGSSMGQMAA

ClinVar aggregate classification (germline): Conflicting classifications of pathogenicity. Review status: criteria provided, conflicting classifications (1 of 4 stars). 2 submissions from 2 submitters: Uncertain significance (1); Benign (1). Last evaluated 2026-06-02.

Conditions:
Rubinstein-Taybi syndrome (RSTS). Identifiers: Orphanet 783, MedGen C0035934, MONDO:0019188.
CREBBP-related disorder. Also called: CREBBP-related condition; CREBBP-related disorders.

gnomAD v4.1: 8 of 1,612,054 alleles (0.0005%); highest among the groups gnomAD compares: Admixed American, 0.0017%; no homozygotes.

Submissions (2):

PreventionGenetics, part of Exact Sciences
Classification: Uncertain significance for CREBBP-related condition. Last evaluated: 2026-06-02. Review status: criteria provided, single submitter. Criteria: ACMG Guidelines, 2015. Collection method: clinical testing. Allele origin: germline.
Comment: The CREBBP c.6766C>G variant is predicted to result in the amino acid substitution p.Leu2256Val. To our knowledge, this variant has not been reported in the literature. This variant is reported in 0.010% of alleles in individuals of Ashkenazi Jewish descent in gnomAD, which may be too common to be a primary cause of disease. Although we suspect that this variant may be benign, at this time, the clinical significance of this variant is uncertain due to the absence of conclusive functional and genetic evidence.

Labcorp Genetics (formerly Invitae), Labcorp
Classification: Benign for Rubinstein-Taybi syndrome. Last evaluated: 2025-09-17. Review status: criteria provided, single submitter. Criteria: Invitae Variant Classification Sherloc (09022015). Collection method: clinical testing. Allele origin: germline.